The following is an entry in ClinVar:

ClinVar aggregate classification (germline): Uncertain significance (1 of 4 stars; one submission).

Submission:

Labcorp Genetics (formerly Invitae), Labcorp
Classification: Uncertain significance. Last evaluated: 2025-09-11. Review status: criteria provided, single submitter. Criteria: Invitae Variant Classification Sherloc (09022015). Collection method: clinical testing. Allele origin: germline.
Comment: This sequence change replaces glutamine, which is neutral and polar, with histidine, which is basic and polar, at codon 440 of the IFT74 protein (p.Gln440His). This variant is not present in population databases (gnomAD no frequency). This variant has not been reported in the literature in individuals affected with IFT74-related conditions. ClinVar contains an entry for this variant (Variation ID: 2082185). An algorithm developed to predict the effect of missense changes on protein structure and function (PolyPhen-2) suggests that this variant is likely to be tolerated. In summary, the available evidence is currently insufficient to determine the role of this variant in disease. Therefore, it has been classified as a Variant of Uncertain Significance.

NM_025103.4(IFT74):c.1320G>T (p.Gln440His)

Gene: IFT74 (intraflagellar transport 74; plus strand). Cytogenetic location: 9p21.2.
Variant type: single nucleotide variant.
Coding change: c.1320G>T on transcript NM_025103.4 (MANE Select); coding-DNA position 1320, G replaced by T.
Protein change: p.Gln440His; replaces glutamine 440 with histidine.
Molecular consequence: missense variant.
Genome position (GRCh38, 1-based): chr9:27,048,261, G>T. VCF-style: chr9-27048261-G-T. GRCh37 (hg19) VCF-style: chr9-27048259-G-T.
Other names: c.1320G>T, p.Gln440His (NM_001099222.3, NM_001099223.3, NM_001349928.2); short protein forms Q440H.
Identifiers: ClinVar variation 2082185 (VCV002082185.4), dbSNP rs1453597241, ClinGen allele CA373126383.